The following is an entry in ClinVar:

NM_006214.4(PHYH):c.667C>T (p.Pro223Ser)

Gene: PHYH (phytanoyl-CoA 2-hydroxylase; minus strand). Cytogenetic location: 10p13.
Variant type: single nucleotide variant.
Coding change: c.667C>T on transcript NM_006214.4 (MANE Select); coding-DNA position 667, C replaced by T.
Protein change: p.Pro223Ser; replaces proline 223 with serine.
Molecular consequence: missense variant. On other transcripts: intron variant (1).
Genome position (GRCh38, 1-based): chr10:13,288,371, G>A on the plus strand (C>T on the coding strand, the complement: PHYH is on the minus strand). VCF-style: chr10-13288371-G-A. GRCh37 (hg19) VCF-style: chr10-13330371-G-A.
Other names: c.367C>T, p.Pro123Ser (NM_001037537.2, NM_001323080.2); c.673C>T, p.Pro225Ser (NM_001323082.2); c.373C>T, p.Pro125Ser (NM_001323084.2); c.415-4532C>T (NM_001323083.2); short protein forms P123S, P223S, P225S, P125S.
Identifiers: ClinVar variation 1433378 (VCV001433378.9), dbSNP rs2131640488, ClinGen allele CA376035151.

ClinVar aggregate classification (germline): Uncertain significance (1 of 4 stars; one submission).

Submission:

Labcorp Genetics (formerly Invitae), Labcorp
Classification: Uncertain significance. Last evaluated: 2022-01-03. Review status: criteria provided, single submitter. Criteria: Invitae Variant Classification Sherloc (09022015). Collection method: clinical testing. Allele origin: germline.
Comment: This sequence change replaces proline, which is neutral and non-polar, with serine, which is neutral and polar, at codon 223 of the PHYH protein (p.Pro223Ser). This variant is not present in population databases (gnomAD no frequency). This variant has not been reported in the literature in individuals affected with PHYH-related conditions. Algorithms developed to predict the effect of missense changes on protein structure and function (SIFT, PolyPhen-2, Align-GVGD) all suggest that this variant is likely to be disruptive. In summary, the available evidence is currently insufficient to determine the role of this variant in disease. Therefore, it has been classified as a Variant of Uncertain Significance.